The following is an entry in ClinVar:

NM_002476.2(MYL4):c.479C>T (p.Ala160Val)

Gene: MYL4 (myosin light chain 4; plus strand). Cytogenetic location: 17q21.32.
Variant type: single nucleotide variant.
Coding change: c.479C>T on transcript NM_002476.2 (MANE Select); coding-DNA position 479, C replaced by T.
Protein change: p.Ala160Val; replaces alanine 160 with valine.
Molecular consequence: missense variant.
Genome position (GRCh38, 1-based): chr17:47,221,847, C>T. VCF-style: chr17-47221847-C-T. GRCh37 (hg19) VCF-style: chr17-45299213-C-T.
Other names: c.479C>T, p.Ala160Val (NM_001002841.2); short protein forms A160V.
Identifiers: ClinVar variation 1494319 (VCV001494319.6), dbSNP rs1324194950, ClinGen allele CA400022733.
Genomic context (GRCh38, chr17:47,221,847, plus strand): 5'-GTGTCTTTGACAAGGAGAGCAATGGCACGGTCATGGGTGCTGAGCTTCGGCACGTCCTTG[C>T]CACCCTGGGTATGCCAGCTGGGCAGAGATGAAGACCAAGTGGGAGGAATGGAGGGGTGGG-3'
Protein context (NP_002467.1, residues 150-170): VMGAELRHVL[Ala160Val]TLGEKMTEAE

ClinVar aggregate classification (germline): Uncertain significance (1 of 4 stars; one submission).

Conditions:
Atrial fibrillation, familial, 18 (ATFB18). Identifiers: MedGen C4310636, MONDO:0015001, OMIM 617280.

Allele frequency attached by ClinVar (database versions not stated): gnomAD exomes below 0.00001; TOPMed below 0.00001; gnomAD 0.00001.

Submission:

Labcorp Genetics (formerly Invitae), Labcorp
Classification: Uncertain significance for Atrial fibrillation, familial, 18. Last evaluated: 2024-11-07. Review status: criteria provided, single submitter. Criteria: Invitae Variant Classification Sherloc (09022015). Collection method: clinical testing. Allele origin: germline.
Comment: This sequence change replaces alanine, which is neutral and non-polar, with valine, which is neutral and non-polar, at codon 160 of the MYL4 protein (p.Ala160Val). This variant is present in population databases (no rsID available, gnomAD no frequency). This variant has not been reported in the literature in individuals affected with MYL4-related conditions. ClinVar contains an entry for this variant (Variation ID: 1494319). An algorithm developed to predict the effect of missense changes on protein structure and function (PolyPhen-2) suggests that this variant is likely to be tolerated. In summary, the available evidence is currently insufficient to determine the role of this variant in disease. Therefore, it has been classified as a Variant of Uncertain Significance.